The following is an entry in ClinVar:

ClinVar aggregate classification (germline): Uncertain significance (1 of 4 stars; one submission).

Conditions:
RASopathy. Also called: rasopathies; Noonan spectrum disorder. Identifiers: Orphanet 536391, MedGen C5555857, MONDO:0021060.

Allele frequency attached by ClinVar (database versions not stated): gnomAD exomes below 0.00001.

Submission:

Labcorp Genetics (formerly Invitae), Labcorp
Classification: Uncertain significance for RASopathy. Last evaluated: 2024-12-27. Review status: criteria provided, single submitter. Criteria: Invitae Variant Classification Sherloc (09022015). Collection method: clinical testing. Allele origin: germline.
Comment: This sequence change replaces methionine, which is neutral and non-polar, with valine, which is neutral and non-polar, at codon 878 of the SOS1 protein (p.Met878Val). This variant is not present in population databases (gnomAD no frequency). This variant has not been reported in the literature in individuals affected with SOS1-related conditions. ClinVar contains an entry for this variant (Variation ID: 1464604). Invitae Evidence Modeling of protein sequence and biophysical properties (such as structural, functional, and spatial information, amino acid conservation, physicochemical variation, residue mobility, and thermodynamic stability) indicates that this missense variant is not expected to disrupt SOS1 protein function with a negative predictive value of 95%. In summary, the available evidence is currently insufficient to determine the role of this variant in disease. Therefore, it has been classified as a Variant of Uncertain Significance.

NM_005633.4(SOS1):c.2632A>G (p.Met878Val)

Gene: SOS1 (SOS Ras/Rac guanine nucleotide exchange factor 1; minus strand). Cytogenetic location: 2p22.1.
Variant type: single nucleotide variant.
Coding change: c.2632A>G on transcript NM_005633.4 (MANE Select); coding-DNA position 2632, A replaced by G.
Protein change: p.Met878Val; replaces methionine 878 with valine.
Molecular consequence: missense variant.
Genome position (GRCh38, 1-based): chr2:39,007,072, T>C on the plus strand (A>G on the coding strand, the complement: SOS1 is on the minus strand). VCF-style: chr2-39007072-T-C. GRCh37 (hg19) VCF-style: chr2-39234213-T-C.
Other names: c.2611A>G, p.Met871Val (NM_001382394.1); c.2632A>G, p.Met878Val (NM_001382395.1); short protein forms M878V, M871V.
Identifiers: ClinVar variation 1464604 (VCV001464604.8), dbSNP rs2124503272, ClinGen allele CA346363402.
Genomic context (GRCh38, chr2:39,007,072, plus strand): 5'-AACACATGTAGAAACCTACCTCAAATGTGTGGTCTAGTCTGTAAACAGGTGATGAATTCA[T>C]AGCACTGACAACCTCAAGGACACCATTAAAGTTGTTCAACTCTTGAAAGACTTGTAGAAT-3'
Protein context (NP_005624.2, residues 868-888): FNGVLEVVSA[Met878Val]NSSPVYRLDH